The following is an entry in ClinVar:

ClinVar aggregate classification (germline): Likely benign. Review status: criteria provided, multiple submitters, no conflicts (2 of 4 stars). 2 submissions from 2 submitters: Likely benign (2). Last evaluated 2025-06-24.

Conditions:
Kabuki syndrome 2 (KABUK2). Also called: KDM6A-Related Kabuki Syndrome. Identifiers: Orphanet 2322, MedGen C3275495, MONDO:0010465, OMIM 300867.

gnomAD v4.1: 2 of 1,196,166 alleles (0.00017%); highest among the groups gnomAD compares: Non-Finnish European, 0.00023%; no homozygotes.

Submissions (2):

Labcorp Genetics (formerly Invitae), Labcorp
Classification: Likely benign for Kabuki syndrome 2. Last evaluated: 2025-06-24. Review status: criteria provided, single submitter. Criteria: Invitae Variant Classification Sherloc (09022015). Collection method: clinical testing. Allele origin: germline.

Mayo Clinic Laboratories, Mayo Clinic
Classification: Likely benign. Last evaluated: 2024-11-19. Review status: criteria provided, single submitter. Criteria: ACMG Guidelines, 2015. Collection method: clinical testing. Allele origin: germline. Observed: 1 variant allele.
Comment: BP4, BP7, PM2_supporting

NM_001291415.2(KDM6A):c.3892+7T>G

Gene: KDM6A (lysine demethylase 6A; plus strand). Cytogenetic location: Xp11.3.
Variant type: single nucleotide variant.
Coding change: c.3892+7T>G on transcript NM_001291415.2 (MANE Select); 7 bases into the intron after coding-DNA position 3892, T replaced by G.
Molecular consequence: intron variant.
Genome position (GRCh38, 1-based): chrX:45,089,937, T>G. VCF-style: chrX-45089937-T-G. GRCh37 (hg19) VCF-style: chrX-44949182-T-G.
Other names: p.?; c.3892+7T>G (NM_001419809.1); c.3790+7T>G (NM_001419810.1, NM_001419813.1); c.3736+7T>G (NM_001419812.1, NM_021140.4, NM_021140.3); c.3634+7T>G (NM_001419814.1, NM_001410742.1); c.3757+7T>G (NM_001419811.1, NM_001291416.2); c.3601+7T>G (NM_001291417.2); c.3499+7T>G (NM_001419815.1, NM_001291418.2); and 1 more.
Identifiers: ClinVar variation 3619060 (VCV003619060.3).
Genomic context (GRCh38, chrX:45,089,937, plus strand): 5'-TTCAGGCTATTGGCTGGTGCAACAACATTGCTTGGAATGTTGGTCCACTTACAGGTATTA[T>G]AAAGAATATGCTTTAAAAAAGTTAATTTATAAAGGATTATATCCAATAGGACTGTTCCTT-3'